The following is an entry in ClinVar:

ClinVar aggregate classification (germline): Uncertain significance (1 of 4 stars; one submission).

Conditions:
Charcot-Marie-Tooth disease axonal type 2O. Also called: CHARCOT-MARIE-TOOTH NEUROPATHY, AXONAL, TYPE 2O; CHARCOT-MARIE-TOOTH DISEASE, AXONAL, AUTOSOMAL DOMINANT, TYPE 2O; Charcot-Marie-Tooth Neuropathy Type 2O; Charcot-Marie-Tooth disease, axonal, type 20. Identifiers: Orphanet 284232, MedGen C3280220, MONDO:0013644, OMIM 614228.

Submission:

Labcorp Genetics (formerly Invitae), Labcorp
Classification: Uncertain significance for Charcot-Marie-Tooth disease axonal type 2O. Last evaluated: 2024-02-01. Review status: criteria provided, single submitter. Criteria: Invitae Variant Classification Sherloc (09022015). Collection method: clinical testing. Allele origin: germline.
Comment: This sequence change falls in intron 8 of the DYNC1H1 gene. It does not directly change the encoded amino acid sequence of the DYNC1H1 protein. It affects a nucleotide within the consensus splice site. This variant is not present in population databases (gnomAD no frequency). This variant has not been reported in the literature in individuals affected with DYNC1H1-related conditions. Variants that disrupt the consensus splice site are a relatively common cause of aberrant splicing (PMID: 17576681, 9536098). Algorithms developed to predict the effect of sequence changes on RNA splicing suggest that this variant is not likely to affect RNA splicing. In summary, the available evidence is currently insufficient to determine the role of this variant in disease. Therefore, it has been classified as a Variant of Uncertain Significance.

Literature cited by the submitters: PubMed 17576681; PubMed 9536098.

NM_001376.5(DYNC1H1):c.2538+6C>T

Gene: DYNC1H1 (dynein cytoplasmic 1 heavy chain 1; plus strand). Cytogenetic location: 14q32.31.
Variant type: single nucleotide variant.
Coding change: c.2538+6C>T on transcript NM_001376.5 (MANE Select); 6 bases into the intron after coding-DNA position 2538, C replaced by T.
Molecular consequence: intron variant.
Genome position (GRCh38, 1-based): chr14:101,986,769, C>T. VCF-style: chr14-101986769-C-T. GRCh37 (hg19) VCF-style: chr14-102453106-C-T.
Identifiers: ClinVar variation 3689752 (VCV003689752.2).